The following is an entry in ClinVar:

ClinVar aggregate classification (germline): Likely pathogenic (1 of 4 stars; one submission).

Submission:

Labcorp Genetics (formerly Invitae), Labcorp
Classification: Likely pathogenic. Last evaluated: 2021-11-18. Review status: criteria provided, single submitter. Criteria: Invitae Variant Classification Sherloc (09022015). Collection method: clinical testing. Allele origin: germline.
Comment: In summary, the currently available evidence indicates that the variant is pathogenic, but additional data are needed to prove that conclusively. Therefore, this variant has been classified as Likely Pathogenic. This variant disrupts a region of the ERCC8 protein in which other variant(s) (p.Glu374Asp) have been observed in individuals with ERCC8-related conditions (PMID: 28848724). This suggests that this is a clinically significant region of the protein, and that variants that disrupt it are likely to be disease-causing. ClinVar contains an entry for this variant (Variation ID: 846227). This variant is also known as CD351delT. This premature translational stop signal has been observed in individual(s) with Cockayne syndrome (PMID: 30039856). It has also been observed to segregate with disease in related individuals. This variant is not present in population databases (gnomAD no frequency). This sequence change creates a premature translational stop signal (p.Ser351Argfs*31) in the ERCC8 gene. While this is not anticipated to result in nonsense mediated decay, it is expected to disrupt the last 46 amino acid(s) of the ERCC8 protein.

Literature cited by the submitters: PubMed 28848724; PubMed 30039856.

NM_000082.4(ERCC8):c.1053del (p.Ser351fs)

Gene: ERCC8 (ERCC excision repair 8, CSA ubiquitin ligase complex subunit; minus strand). Cytogenetic location: 5q12.1.
Variant type: Deletion.
Coding change: c.1053del on transcript NM_000082.4 (MANE Select); coding-DNA position 1053, one base deleted (T; older notation c.1053delT).
Protein change: p.Ser351fs; shifts the reading frame from serine 351.
Molecular consequence: frameshift variant.
Genome position (GRCh38, 1-based): chr5:60,887,509, A deleted on the plus strand (T on the coding strand, the reverse complement: ERCC8 is on the minus strand). VCF-style (leftmost placement, unchanged base first): chr5-60887508-CA-C. GRCh37 (hg19) VCF-style: chr5-60183335-CA-C.
Other names: c.879del, p.Ser293fs (NM_001007233.3); c.594del, p.Ser198fs (NM_001290285.2); short protein forms S198fs, S293fs, S351fs.
Identifiers: ClinVar variation 846227 (VCV000846227.7), dbSNP rs1748431071, ClinGen allele CA916081468.